The following is an entry in ClinVar:

NC_000016.9:g.(?_89825110)_(89923062_?)del

Genes: FANCA (FA complementation group A; minus strand), SPIRE2 (spire type actin nucleation factor 2; plus strand). Cytogenetic location: 16q24.3.
Variant type: Deletion.
Identifiers: ClinVar variation 2422429 (VCV002422429.4).

ClinVar aggregate classification (germline): Pathogenic (1 of 4 stars; one submission).

Conditions:
Fanconi anemia (FA). Also called: Fanconi's anemia. Identifiers: Orphanet 84, MedGen C0015625, MeSH D005199, MONDO:0019391.

Submission:

Labcorp Genetics (formerly Invitae), Labcorp
Classification: Pathogenic for Fanconi anemia. Last evaluated: 2022-03-29. Review status: criteria provided, single submitter. Criteria: Invitae Variant Classification Sherloc (09022015). Collection method: clinical testing. Allele origin: germline.
Comment: For these reasons, this variant has been classified as Pathogenic. This variant has not been reported in the literature in individuals affected with FANCA-related conditions. This variant results in the deletion of exons 1-29 and part of exon 30 (c.-40039_2856del) of the FANCA gene. It is expected to result in an absent or disrupted protein product. Loss-of-function variants in FANCA are known to be pathogenic (PMID: 19367192).

Literature cited by the submitters: PubMed 19367192.